The following is an entry in ClinVar:

NM_000217.3(KCNA1):c.1130A>G (p.Asp377Gly)

Gene: KCNA1 (potassium voltage-gated channel subfamily A member 1; plus strand). Cytogenetic location: 12p13.32.
Variant type: single nucleotide variant.
Coding change: c.1130A>G on transcript NM_000217.3 (MANE Select); coding-DNA position 1130, A replaced by G.
Protein change: p.Asp377Gly; replaces aspartic acid 377 with glycine.
Molecular consequence: missense variant.
Genome position (GRCh38, 1-based): chr12:4,912,508, A>G. VCF-style: chr12-4912508-A-G. GRCh37 (hg19) VCF-style: chr12-5021674-A-G.
Other names: short protein forms D377G.
Identifiers: ClinVar variation 4688610 (VCV004688610.1).
Genomic context (GRCh38, chr12:4,912,508, plus strand): 5'-CCAGTATCCCCGATGCTTTCTGGTGGGCGGTGGTGTCCATGACCACTGTAGGATACGGTG[A>G]CATGTACCCTGTGACAATTGGAGGCAAGATCGTGGGCTCCTTGTGTGCCATCGCTGGTGT-3'
Protein context (NP_000208.2, residues 367-387): VVSMTTVGYG[Asp377Gly]MYPVTIGGKI

ClinVar aggregate classification (germline): Uncertain significance (1 of 4 stars; one submission).

Submission:

Women's Health and Genetics/Laboratory Corporation of America, LabCorp
Classification: Uncertain significance. Last evaluated: 2025-12-03. Review status: criteria provided, single submitter. Criteria: LabCorp Variant Classification Summary - May 2015. Collection method: clinical testing. Allele origin: germline.
Comment: Variant summary: KCNA1 c.1130A>G (p.Asp377Gly) results in a non-conservative amino acid change in the encoded protein sequence. Algorithms developed to predict the effect of missense changes on protein structure and function all suggest that this variant is likely to be disruptive. The variant was absent in 251430 control chromosomes (gnomAD). The available data on variant occurrences in the general population are insufficient to allow any conclusion about variant significance. To our knowledge, no occurrence of c.1130A>G in individuals affected with KCNA1-related conditions and no experimental evidence demonstrating its impact on protein function have been reported. No submitters have cited clinical-significance assessments for this variant to ClinVar. Based on the evidence outlined above, the variant was classified as uncertain significance.